The following is an entry in ClinVar:

NM_133510.4(RAD51B):c.106C>G (p.Leu36Val)

Gene: RAD51B (RAD51 paralog B; plus strand). Cytogenetic location: 14q24.1.
Variant type: single nucleotide variant.
Coding change: c.106C>G on transcript NM_133510.4 (MANE Select); coding-DNA position 106, C replaced by G.
Protein change: p.Leu36Val; replaces leucine 36 with valine.
Molecular consequence: missense variant. On other transcripts: 5 prime UTR variant (2).
Genome position (GRCh38, 1-based): chr14:67,825,485, C>G. VCF-style: chr14-67825485-C-G. GRCh37 (hg19) VCF-style: chr14-68292202-C-G.
Other names: c.106C>G, p.Leu36Val (NM_001321809.2, NM_001321810.2, NM_001321812.1 and 6 more transcripts); c.-9C>G (NM_001321815.1); c.-350C>G (NM_001321817.2); short protein forms L36V.
Identifiers: ClinVar variation 4149811 (VCV004149811.1).
Genomic context (GRCh38, chr14:67,825,485, plus strand): 5'-CACATATATGTTTAAAATACTCTCTTTATGTTTCTTTAGGACTTTTTATGTCTTTCCCCA[C>G]TGGAGCTTATGAAGGTGACTGGTCTGAGTTATCGAGGTGTCCATGAACTTCTATGTATGG-3'
Protein context (NP_598194.1, residues 26-46): TCQDFLCLSP[Leu36Val]ELMKVTGLSY

ClinVar aggregate classification (germline): Uncertain significance (1 of 4 stars; one submission).

Submission:

Ambry Genetics
Classification: Uncertain significance. Last evaluated: 2025-06-21. Review status: criteria provided, single submitter. Criteria: Ambry Variant Classification Scheme 2023. Collection method: clinical testing. Allele origin: germline.
Comment: The p.L36V variant (also known as c.106C>G), located in coding exon 2 of the RAD51B gene, results from a C to G substitution at nucleotide position 106. The leucine at codon 36 is replaced by valine, an amino acid with highly similar properties. This amino acid position is conserved. In addition, this alteration is predicted to be tolerated by in silico analysis. Based on the available evidence, the clinical significance of this variant remains unclear.